The following is an entry in ClinVar:

ClinVar aggregate classification (germline): Benign. Review status: criteria provided, single submitter (1 of 4 stars). 2 submissions from 2 submitters: Benign (1). 1 of the submissions does not count toward it. Last evaluated 2021-05-04.

Conditions:
BLTP1-related disorder. Also called: BLTP1-related condition.

Allele frequency attached by ClinVar (database versions not stated): gnomAD exomes 0.01014 and 0.01419; ExAC 0.01533; ESP Exome Variant Server 0.02637; gnomAD 0.02844 and 0.02953; TOPMed 0.03135; 1000 Genomes Project 0.03155; 1000 Genomes Project 30x 0.03623.
gnomAD v4.1: 19,326 of 1,613,304 alleles (1.2%); highest among the groups gnomAD compares: African/African-American, 8%; 348 homozygotes.

Submissions (2):

GeneDx
Classification: Benign. Last evaluated: 2021-05-04. Review status: criteria provided, single submitter. Criteria: GeneDx Variant Classification Process June 2021. Collection method: clinical testing. Allele origin: germline. Affected: yes.

PreventionGenetics, part of Exact Sciences
Classification: Benign for BLTP1-related condition. Last evaluated: 2020-01-24. Review status: no assertion criteria provided. Collection method: clinical testing. Allele origin: germline. Not counted in ClinVar's aggregate classification.
Comment: This variant is classified as benign based on ACMG/AMP sequence variant interpretation guidelines (Richards et al. 2015 PMID: 25741868, with internal and published modifications).

NM_001384125.1(BLTP1):c.5361A>G (p.Ser1787=)

Gene: BLTP1 (bridge-like lipid transfer protein family member 1; plus strand). Cytogenetic location: 4q27.
Variant type: single nucleotide variant.
Coding change: c.5361A>G on transcript NM_001384125.1 (MANE Select); coding-DNA position 5361, A replaced by G.
Protein change: p.Ser1787=; no amino-acid change (serine 1787 retained).
Molecular consequence: synonymous variant.
Genome position (GRCh38, 1-based): chr4:122,247,206, A>G. VCF-style: chr4-122247206-A-G. GRCh37 (hg19) VCF-style: chr4-123168361-A-G.
Other names: c.5361A>G, p.Ser1787= (NM_015312.4).
Identifiers: ClinVar variation 1253905 (VCV001253905.5), dbSNP rs73844502, ClinGen allele CA3066615.